The following is an entry in ClinVar:

NM_130839.5(UBE3A):c.2204A>G (p.His735Arg)

Genes: SNHG14 (small nucleolar RNA host gene 14; plus strand), UBE3A (ubiquitin protein ligase E3A; minus strand). Cytogenetic location: 15q11.2.
Variant type: single nucleotide variant.
Coding change: c.2204A>G on transcript NM_130839.5 (MANE Select); coding-DNA position 2204, A replaced by G.
Protein change: p.His735Arg; replaces histidine 735 with arginine.
Molecular consequence: missense variant. On other transcripts: non-coding transcript variant (1), intron variant (3).
Genome position (GRCh38, 1-based): chr15:25,354,604, T>C on the plus strand (A>G on the coding strand, the complement: UBE3A is on the minus strand). VCF-style: chr15-25354604-T-C. GRCh37 (hg19) VCF-style: chr15-25599751-T-C.
Other names: c.2144A>G, p.His715Arg (NM_001354543.2, NM_001354544.2, NM_001374461.1 and 14 more transcripts); c.2027A>G, p.His676Arg (NM_001354546.2); c.1979A>G, p.His660Arg (NM_001354549.2); c.953A>G, p.His318Arg (NM_001354550.2); c.893A>G, p.His298Arg (NM_001354551.2); c.2213A>G, p.His738Arg (NM_000462.5); c.2204A>G, p.His735Arg (NM_001354505.1, NM_001354538.2); c.2065-178A>G (NM_001354548.2, NM_001354547.2); and 1 more; short protein forms H660R, H676R, H735R, H298R, H318R, H715R, H738R.
Identifiers: ClinVar variation 3015709 (VCV003015709.3), dbSNP rs923946807, ClinGen allele CA391351775.

ClinVar aggregate classification (germline): Uncertain significance (1 of 4 stars; one submission).

Conditions:
Angelman syndrome (AS). Also called: HAPPY PUPPET SYNDROME. Identifiers: Orphanet 72, MedGen C0162635, MONDO:0007113, OMIM 105830. Disease mechanism: loss of function. Inheritance: AS is caused by disruption of maternally imprinted UBE3A located within the 15q11.2-q13 Angelman syndrome/Prader-Willi syndrome (AS/PWS) region., imprinting disorder.

Submission:

Labcorp Genetics (formerly Invitae), Labcorp
Classification: Uncertain significance for Angelman syndrome. Last evaluated: 2023-07-21. Review status: criteria provided, single submitter. Criteria: Invitae Variant Classification Sherloc (09022015). Collection method: clinical testing. Allele origin: germline.
Comment: This sequence change replaces histidine, which is basic and polar, with arginine, which is basic and polar, at codon 715 of the UBE3A protein (p.His715Arg). In summary, the available evidence is currently insufficient to determine the role of this variant in disease. Therefore, it has been classified as a Variant of Uncertain Significance. Advanced modeling of protein sequence and biophysical properties (such as structural, functional, and spatial information, amino acid conservation, physicochemical variation, residue mobility, and thermodynamic stability) has been performed at Invitae for this missense variant, however the output from this modeling did not meet the statistical confidence thresholds required to predict the impact of this variant on UBE3A protein function. This variant has not been reported in the literature in individuals affected with UBE3A-related conditions. This variant is not present in population databases (gnomAD no frequency).